The following is an entry in ClinVar:

ClinVar aggregate classification (germline): Pathogenic (1 of 4 stars; one submission).

Submission:

Labcorp Genetics (formerly Invitae), Labcorp
Classification: Pathogenic. Last evaluated: 2023-10-07. Review status: criteria provided, single submitter. Criteria: Invitae Variant Classification Sherloc (09022015). Collection method: clinical testing. Allele origin: germline.
Comment: This sequence change creates a premature translational stop signal (p.Arg1874Glufs*12) in the CAD gene. It is expected to result in an absent or disrupted protein product. Loss-of-function variants in CAD are known to be pathogenic (PMID: 28007989, 32117025, 32820246, 33497533). This variant is not present in population databases (gnomAD no frequency). This variant has not been reported in the literature in individuals affected with CAD-related conditions. For these reasons, this variant has been classified as Pathogenic.

Literature cited by the submitters: PubMed 28007989; PubMed 32117025; PubMed 32820246; PubMed 33497533.

NM_004341.5(CAD):c.5619_5620del (p.Arg1874fs)

Gene: CAD (carbamoyl-phosphate synthetase 2, aspartate transcarbamylase, and dihydroorotase; plus strand). Cytogenetic location: 2p23.3.
Variant type: Microsatellite.
Coding change: c.5619_5620del on transcript NM_004341.5 (MANE Select); coding-DNA positions 5619 to 5620, 2 bases deleted (TC; older notation c.5619_5620delTC).
Protein change: p.Arg1874fs; shifts the reading frame from arginine 1874.
Molecular consequence: frameshift variant.
Genome position (GRCh38, 1-based): chr2:27,240,936-27,240,937, TC deleted; deleting any 2 consecutive bases within chr2:27,240,933-27,240,937 gives the same sequence; the c. name uses the placement nearest the transcript's 3' end. VCF-style (leftmost placement, unchanged base first): chr2-27240932-CCT-C. GRCh37 (hg19) VCF-style: chr2-27463800-CCT-C.
Other names: c.5430_5431del, p.Arg1811fs (NM_001306079.2); short protein forms R1874fs, R1811fs.
Identifiers: ClinVar variation 2766717 (VCV002766717.3), dbSNP rs1676285984, ClinGen allele CA1240184270.